The following is an entry in ClinVar:

ClinVar aggregate classification (germline): Uncertain significance (1 of 4 stars; one submission).

Submission:

Women's Health and Genetics/Laboratory Corporation of America, LabCorp
Classification: Uncertain significance. Last evaluated: 2025-04-11. Review status: criteria provided, single submitter. Criteria: LabCorp Variant Classification Summary - May 2015. Collection method: clinical testing. Allele origin: germline.
Comment: Variant summary: CHRNA1 c.833T>C (p.Leu278Pro) results in a non-conservative amino acid change located in the Neurotransmitter-gated ion-channel transmembrane domain (IPR006029) of the encoded protein sequence. Five of five in-silico tools predict a damaging effect of the variant on protein function. The variant was absent in 251370 control chromosomes. The available data on variant occurrences in the general population are insufficient to allow any conclusion about variant significance. To our knowledge, no occurrence of c.833T>C in individuals affected with Myasthenic Syndrome, Slow-Channel Congenital and no experimental evidence demonstrating its impact on protein function have been reported. No submitters have cited clinical-significance assessments for this variant to ClinVar. Based on the evidence outlined above, the variant was classified as uncertain significance.

NM_000079.4(CHRNA1):c.833T>C (p.Leu278Pro)

Gene: CHRNA1 (cholinergic receptor nicotinic alpha 1 subunit; minus strand). Cytogenetic location: 2q31.1.
Variant type: single nucleotide variant.
Coding change: c.833T>C on transcript NM_000079.4 (MANE Select); coding-DNA position 833, T replaced by C.
Protein change: p.Leu278Pro; replaces leucine 278 with proline.
Molecular consequence: missense variant.
Genome position (GRCh38, 1-based): chr2:174,750,115, A>G on the plus strand (T>C on the coding strand, the complement: CHRNA1 is on the minus strand). VCF-style: chr2-174750115-A-G. GRCh37 (hg19) VCF-style: chr2-175614843-A-G.
Other names: c.908T>C, p.Leu303Pro (NM_001039523.3); short protein forms L278P, L303P.
Identifiers: ClinVar variation 3896316 (VCV003896316.2).
Genomic context (GRCh38, chr2:174,750,115, plus strand): 5'-ATGTATTTTCCAATCAAGGGCACAGCACTGGACGTGGAGGGGATCAGCTCCACGATGACC[A>G]GAAGGAACACAGTCAAAGACAGTAAGACAGAGATGCTCAGAGTCATCTTCTCCCCTGAAA-3'
Protein context (NP_000070.1, residues 268-288): SVLLSLTVFL[Leu278Pro]VIVELIPSTS